The following is an entry in ClinVar:

NM_003664.5(AP3B1):c.2022G>C (p.Lys674Asn)

Gene: AP3B1 (adaptor related protein complex 3 subunit beta 1; minus strand). Cytogenetic location: 5q14.1.
Variant type: single nucleotide variant.
Coding change: c.2022G>C on transcript NM_003664.5 (MANE Select); coding-DNA position 2022, G replaced by C.
Protein change: p.Lys674Asn; replaces lysine 674 with asparagine.
Molecular consequence: missense variant.
Genome position (GRCh38, 1-based): chr5:78,116,181, C>G on the plus strand (G>C on the coding strand, the complement: AP3B1 is on the minus strand). VCF-style: chr5-78116181-C-G. GRCh37 (hg19) VCF-style: chr5-77412005-C-G.
Other names: c.1875G>C, p.Lys625Asn (NM_001271769.2); c.2022G>C (NM_003664.3); short protein forms K674N, K625N.
Identifiers: ClinVar variation 1524596 (VCV001524596.6), dbSNP rs752440818, ClinGen allele CA360185198.
Genomic context (GRCh38, chr5:78,116,181, plus strand): 5'-CCCACCACTGTCACTGCTACTATCAGAAGAGTCCTCCTCTTCCTCAGATTCAGAATAAAA[C>G]TTCTTAGCAGAATTCTCTTGCTTTGCTTTTCCTGCTGGGGTCCATTCTTTTGCCTGTTTA-3'
Protein context (NP_003655.3, residues 664-684): GKAKQENSAK[Lys674Asn]FYSESEEEED

ClinVar aggregate classification (germline): Uncertain significance. Review status: criteria provided, multiple submitters, no conflicts (2 of 4 stars). 2 submissions from 2 submitters: Uncertain significance (2). Last evaluated 2021-09-24.

Conditions:
Inborn genetic diseases. Identifiers: MedGen C0950123, MeSH D030342.
Hermansky-Pudlak syndrome 2 (HPS2). Also called: Platelet defects and oculocutaneous albinism. Identifiers: Orphanet 183678, Orphanet 79430, MedGen C1842362, MONDO:0011997, OMIM 608233.

Allele frequency attached by ClinVar (database versions not stated): gnomAD 0.00001.
gnomAD v4.1: 1 of 1,613,750 alleles (0.000062%); highest among the groups gnomAD compares: Non-Finnish European, 0.000085%; no homozygotes.

Submissions (2):

Labcorp Genetics (formerly Invitae), Labcorp
Classification: Uncertain significance for Hermansky-Pudlak syndrome 2. Last evaluated: 2021-09-24. Review status: criteria provided, single submitter. Criteria: Invitae Variant Classification Sherloc (09022015). Collection method: clinical testing. Allele origin: germline.
Comment: This sequence change replaces lysine with asparagine at codon 674 of the AP3B1 protein (p.Lys674Asn). The lysine residue is moderately conserved and there is a moderate physicochemical difference between lysine and asparagine. This variant is not present in population databases (ExAC no frequency). This variant has not been reported in the literature in individuals with AP3B1-related conditions. Algorithms developed to predict the effect of missense changes on protein structure and function are either unavailable or do not agree on the potential impact of this missense change (SIFT: "Tolerated"; PolyPhen-2: "Possibly Damaging"; Align-GVGD: "Class C0"). In summary, the available evidence is currently insufficient to determine the role of this variant in disease. Therefore, it has been classified as a Variant of Uncertain Significance.

Ambry Genetics
Classification: Uncertain significance for Inborn genetic diseases. Last evaluated: 2021-07-14. Review status: criteria provided, single submitter. Criteria: Ambry Variant Classification Scheme 2023. Collection method: clinical testing. Allele origin: germline.